The following is an entry in ClinVar:

ClinVar aggregate classification (germline): Uncertain significance. Review status: criteria provided, multiple submitters, no conflicts (2 of 4 stars). 2 submissions from 2 submitters: Uncertain significance (2). Last evaluated 2023-11-12.

Conditions:
Hereditary cancer-predisposing syndrome. Also called: Hereditary Cancer Syndrome; Neoplastic Syndromes, Hereditary; Tumor predisposition; Hereditary neoplastic syndrome. Identifiers: Orphanet 140162, MedGen C0027672, MeSH D009386, MONDO:0015356.
Bloom syndrome (BLM). Also called: Bloom-Torre-Machacek syndrome. Identifiers: Orphanet 125, MedGen C0005859, MONDO:0008876, OMIM 210900.

Allele frequency attached by ClinVar (database versions not stated): gnomAD exomes 0.00001; ExAC 0.00002.
gnomAD v4.1: 8 of 1,613,782 alleles (0.0005%); highest among the groups gnomAD compares: South Asian, 0.0088%; no homozygotes.

Submissions (2):

Ambry Genetics
Classification: Uncertain significance for Hereditary cancer-predisposing syndrome. Last evaluated: 2023-11-12. Review status: criteria provided, single submitter. Criteria: Ambry Variant Classification Scheme 2023. Collection method: clinical testing. Allele origin: germline.
Comment: The p.G1132R variant (also known as c.3394G>C), located in coding exon 17 of the BLM gene, results from a G to C substitution at nucleotide position 3394. The glycine at codon 1132 is replaced by arginine, an amino acid with dissimilar properties. This amino acid position is conserved. In addition, this alteration is predicted to be deleterious by in silico analysis. Since supporting evidence is limited at this time, the clinical significance of this alteration remains unclear.

Labcorp Genetics (formerly Invitae), Labcorp
Classification: Uncertain significance for Bloom syndrome. Last evaluated: 2023-01-30. Review status: criteria provided, single submitter. Criteria: Invitae Variant Classification Sherloc (09022015). Collection method: clinical testing. Allele origin: germline.
Comment: This variant has not been reported in the literature in individuals affected with BLM-related conditions. This variant is present in population databases (rs749219353, gnomAD 0.01%). This sequence change replaces glycine, which is neutral and non-polar, with arginine, which is basic and polar, at codon 1132 of the BLM protein (p.Gly1132Arg). Advanced modeling of protein sequence and biophysical properties (such as structural, functional, and spatial information, amino acid conservation, physicochemical variation, residue mobility, and thermodynamic stability) performed at Invitae indicates that this missense variant is expected to disrupt BLM protein function. In summary, the available evidence is currently insufficient to determine the role of this variant in disease. Therefore, it has been classified as a Variant of Uncertain Significance.

NM_000057.4(BLM):c.3394G>C (p.Gly1132Arg)

Gene: BLM (BLM RecQ like helicase; plus strand). Cytogenetic location: 15q26.1.
Variant type: single nucleotide variant.
Coding change: c.3394G>C on transcript NM_000057.4 (MANE Select); coding-DNA position 3394, G replaced by C.
Protein change: p.Gly1132Arg; replaces glycine 1132 with arginine.
Molecular consequence: missense variant. On other transcripts: intron variant (1).
Genome position (GRCh38, 1-based): chr15:90,803,556, G>C. VCF-style: chr15-90803556-G-C. GRCh37 (hg19) VCF-style: chr15-91346786-G-C.
Other names: c.3394G>C, p.Gly1132Arg (NM_001287246.2); c.2269G>C, p.Gly757Arg (NM_001287248.2); c.3358+5219G>C (NM_001287247.2); short protein forms G1132R, G757R.
Identifiers: ClinVar variation 2163216 (VCV002163216.5), dbSNP rs749219353, ClinGen allele CA7739027.
Genomic context (GRCh38, chr15:90,803,556, plus strand): 5'-CTTACTTCCTGTATCTTCTTATCAGGGAGTAAGAGTGCAAAAATCCAGTCAGGTATATTT[G>C]GAAAAGGATCTGCTTATTCACGACACAATGCCGAAAGACTTTTTAAAAAGCTGATACTTG-3'
Protein context (NP_000048.1, residues 1122-1142): KSAKIQSGIF[Gly1132Arg]KGSAYSRHNA